The following is an entry in ClinVar:

NM_005739.4(RASGRP1):c.319A>T (p.Ile107Phe)

Gene: RASGRP1 (RAS guanyl releasing protein 1; minus strand). Cytogenetic location: 15q14.
Variant type: single nucleotide variant.
Coding change: c.319A>T on transcript NM_005739.4 (MANE Select); coding-DNA position 319, A replaced by T.
Protein change: p.Ile107Phe; replaces isoleucine 107 with phenylalanine.
Molecular consequence: missense variant.
Genome position (GRCh38, 1-based): chr15:38,526,306, T>A on the plus strand (A>T on the coding strand, the complement: RASGRP1 is on the minus strand). VCF-style: chr15-38526306-T-A. GRCh37 (hg19) VCF-style: chr15-38818507-T-A.
Other names: c.319A>T, p.Ile107Phe (NM_001128602.2, NM_001306086.2); short protein forms I107F.
Identifiers: ClinVar variation 807208 (VCV000807208.44), dbSNP rs1261043638, ClinGen allele CA391658007.

ClinVar aggregate classification (germline): Uncertain significance. Review status: criteria provided, multiple submitters, no conflicts (2 of 4 stars). 2 submissions from 2 submitters: Uncertain significance (2). Last evaluated 2024-04-01.

Allele frequency attached by ClinVar (database versions not stated): gnomAD exomes below 0.00001; gnomAD 0.00001; TOPMed 0.00001.
gnomAD v4.1: 29 of 1,612,238 alleles (0.0018%); highest among the groups gnomAD compares: Non-Finnish European, 0.0024%; no homozygotes.

Submissions (2):

Labcorp Genetics (formerly Invitae), Labcorp
Classification: Uncertain significance. Last evaluated: 2024-04-01. Review status: criteria provided, single submitter. Criteria: Invitae Variant Classification Sherloc (09022015). Collection method: clinical testing. Allele origin: germline.
Comment: This sequence change replaces isoleucine, which is neutral and non-polar, with phenylalanine, which is neutral and non-polar, at codon 107 of the RASGRP1 protein (p.Ile107Phe). This variant is present in population databases (no rsID available, gnomAD 0.0009%). This variant has not been reported in the literature in individuals affected with RASGRP1-related conditions. ClinVar contains an entry for this variant (Variation ID: 807208). Advanced modeling of protein sequence and biophysical properties (such as structural, functional, and spatial information, amino acid conservation, physicochemical variation, residue mobility, and thermodynamic stability) performed at Invitae indicates that this missense variant is not expected to disrupt RASGRP1 protein function with a negative predictive value of 80%. In summary, the available evidence is currently insufficient to determine the role of this variant in disease. Therefore, it has been classified as a Variant of Uncertain Significance.

CeGaT Center for Human Genetics Tuebingen
Classification: Uncertain significance. Last evaluated: 2019-03-01. Review status: criteria provided, single submitter. Criteria: CeGaT Center For Human Genetics Tuebingen Variant Classification Criteria Version 2. Collection method: clinical testing. Allele origin: germline. Affected: yes. Observed: 1 variant allele.